The following is an entry in ClinVar:

ClinVar aggregate classification (germline): Likely benign (0 of 4 stars; one submission).

Conditions:
SEMA3F-related disorder. Also called: SEMA3F-related condition.

Submission:

PreventionGenetics, part of Exact Sciences
Classification: Likely benign for SEMA3F-related condition. Last evaluated: 2024-08-23. Review status: no assertion criteria provided. Collection method: clinical testing. Allele origin: germline.
Comment: This variant is classified as likely benign based on ACMG/AMP sequence variant interpretation guidelines (Richards et al. 2015 PMID: 25741868, with internal and published modifications).

NM_004186.5(SEMA3F):c.112+6_112+8del

Gene: SEMA3F (semaphorin 3F; plus strand). Cytogenetic location: 3p21.31.
Variant type: Microsatellite.
Coding change: c.112+6_112+8del on transcript NM_004186.5 (MANE Select); bases 6 to 8 of the intron after coding-DNA position 112, 3 bases deleted (AAG; older notation c.112+6_112+8delAAG).
Molecular consequence: intron variant.
Genome position (GRCh38, 1-based): chr3:50,159,740-50,159,742, AAG deleted; deleting any 3 consecutive bases within chr3:50,159,737-50,159,742 gives the same sequence; the c. name uses the placement nearest the transcript's 3' end. VCF-style (leftmost placement, unchanged base first): chr3-50159736-TAAG-T. GRCh37 (hg19) VCF-style: chr3-50197169-TAAG-T.
Other names: c.-93+6_-93+8del (NM_001318798.2); c.112+6_112+8del (NM_001318800.2).
Identifiers: ClinVar variation 3356393 (VCV003356393.1).
Genomic context (GRCh38, chr3:50,159,736, plus strand): 5'-ATCCTTCCCCACCCAGGACCACCTCCCGGCCACGCCCCGGGTCCGGCTCTCATTCAAAGG[TAAG>T]AAGCTGTTTTGTTCTTCCCCAGAAATCATCCTCTCTTTACAATAGCGCTCGGCTCCTCTG-3'